The following is an entry in ClinVar:

NM_001004439.2(ITGA11):c.2753T>C (p.Ile918Thr)

Gene: ITGA11 (integrin subunit alpha 11; minus strand). Cytogenetic location: 15q23.
Variant type: single nucleotide variant.
Coding change: c.2753T>C on transcript NM_001004439.2 (MANE Select); coding-DNA position 2753, T replaced by C.
Protein change: p.Ile918Thr; replaces isoleucine 918 with threonine.
Molecular consequence: missense variant.
Genome position (GRCh38, 1-based): chr15:68,315,690, A>G on the plus strand (T>C on the coding strand, the complement: ITGA11 is on the minus strand). VCF-style: chr15-68315690-A-G. GRCh37 (hg19) VCF-style: chr15-68608028-A-G.
Other names: short protein forms I918T.
Identifiers: ClinVar variation 2645487 (VCV002645487.24), dbSNP rs1893548743, ClinGen allele CA392987463.

ClinVar aggregate classification (germline): Uncertain significance (1 of 4 stars; one submission).

Submission:

CeGaT Center for Human Genetics Tuebingen
Classification: Uncertain significance. Last evaluated: 2023-03-01. Review status: criteria provided, single submitter. Criteria: CeGaT Center For Human Genetics Tuebingen Variant Classification Criteria Version 2. Collection method: clinical testing. Allele origin: germline. Affected: yes. Observed: 1 variant allele.
Comment: ITGA11: PM2, BP4